The following is an entry in ClinVar:

ClinVar aggregate classification (germline): Uncertain significance. Review status: criteria provided, multiple submitters, no conflicts (2 of 4 stars). 2 submissions from 2 submitters: Uncertain significance (2). Last evaluated 2024-05-06.

Conditions:
Inborn genetic diseases. Identifiers: MedGen C0950123, MeSH D030342.

Allele frequency attached by ClinVar (database versions not stated): gnomAD 0.00002; TOPMed 0.00019.

Submissions (2):

Labcorp Genetics (formerly Invitae), Labcorp
Classification: Uncertain significance. Last evaluated: 2024-05-06. Review status: criteria provided, single submitter. Criteria: Invitae Variant Classification Sherloc (09022015). Collection method: clinical testing. Allele origin: germline.
Comment: This sequence change replaces alanine, which is neutral and non-polar, with serine, which is neutral and polar, at codon 21 of the THBD protein (p.Ala21Ser). This variant is not present in population databases (gnomAD no frequency). This variant has not been reported in the literature in individuals affected with THBD-related conditions. ClinVar contains an entry for this variant (Variation ID: 1480496). Advanced modeling of protein sequence and biophysical properties (such as structural, functional, and spatial information, amino acid conservation, physicochemical variation, residue mobility, and thermodynamic stability) performed at Invitae indicates that this missense variant is not expected to disrupt THBD protein function with a negative predictive value of 80%. In summary, the available evidence is currently insufficient to determine the role of this variant in disease. Therefore, it has been classified as a Variant of Uncertain Significance.

Ambry Genetics
Classification: Uncertain significance for Inborn genetic diseases. Last evaluated: 2024-01-17. Review status: criteria provided, single submitter. Criteria: Ambry Variant Classification Scheme 2023. Collection method: clinical testing. Allele origin: germline.

NM_000361.3(THBD):c.61G>T (p.Ala21Ser)

Gene: THBD (thrombomodulin; minus strand). Cytogenetic location: 20p11.21.
Variant type: single nucleotide variant.
Coding change: c.61G>T on transcript NM_000361.3 (MANE Select); coding-DNA position 61, G replaced by T.
Protein change: p.Ala21Ser; replaces alanine 21 with serine.
Molecular consequence: missense variant.
Genome position (GRCh38, 1-based): chr20:23,049,444, C>A on the plus strand (G>T on the coding strand, the complement: THBD is on the minus strand). VCF-style: chr20-23049444-C-A. GRCh37 (hg19) VCF-style: chr20-23030081-C-A.
Other names: c.61G>T (NM_000361.2); short protein forms A21S.
Identifiers: ClinVar variation 1480496 (VCV001480496.9), dbSNP rs1356446702, ClinGen allele CA408408515.